The following is an entry in ClinVar:

NM_015404.4(WHRN):c.1959C>T (p.Ser653=)

Gene: WHRN (whirlin; minus strand). Cytogenetic location: 9q32.
Variant type: single nucleotide variant.
Coding change: c.1959C>T on transcript NM_015404.4 (MANE Select); coding-DNA position 1959, C replaced by T.
Protein change: p.Ser653=; no amino-acid change (serine 653 retained).
Molecular consequence: synonymous variant.
Genome position (GRCh38, 1-based): chr9:114,406,632, G>A on the plus strand (C>T on the coding strand, the complement: WHRN is on the minus strand). VCF-style: chr9-114406632-G-A. GRCh37 (hg19) VCF-style: chr9-117168912-G-A.
Other names: c.810C>T, p.Ser270= (NM_001083885.3); c.1959C>T, p.Ser653= (NM_001173425.2); c.906C>T, p.Ser302= (NM_001346890.1); c.1959C>T (NM_015404.3).
Identifiers: ClinVar variation 1094069 (VCV001094069.12), dbSNP rs376355638, ClinGen allele CA5205772.

ClinVar aggregate classification (germline): Likely benign. Review status: criteria provided, multiple submitters, no conflicts (2 of 4 stars). 3 submissions from 3 submitters: Likely benign (2). 1 of the submissions does not count toward it. Last evaluated 2022-11-08.

Conditions:
WHRN-related disorder. Also called: WHRN-related condition.

Allele frequency attached by ClinVar (database versions not stated): gnomAD 0.00002 and 0.00003; gnomAD exomes 0.00003; TOPMed 0.00003; ExAC 0.00006; ESP Exome Variant Server 0.00008.
gnomAD v4.1: 36 of 1,611,910 alleles (0.0022%); highest among the groups gnomAD compares: Non-Finnish European, 0.0025%; no homozygotes.

Submissions (3):

Labcorp Genetics (formerly Invitae), Labcorp
Classification: Likely benign. Last evaluated: 2022-11-08. Review status: criteria provided, single submitter. Criteria: Invitae Variant Classification Sherloc (09022015). Collection method: clinical testing. Allele origin: germline.

Blueprint Genetics
Classification: Likely benign. Last evaluated: 2018-07-19. Review status: criteria provided, single submitter. Criteria: ACMG Guidelines, 2015. Collection method: clinical testing. Allele origin: germline.

PreventionGenetics, part of Exact Sciences
Classification: Likely benign for WHRN-related condition. Last evaluated: 2019-03-20. Review status: no assertion criteria provided. Collection method: clinical testing. Allele origin: germline. Not counted in ClinVar's aggregate classification.
Comment: This variant is classified as likely benign based on ACMG/AMP sequence variant interpretation guidelines (Richards et al. 2015 PMID: 25741868, with internal and published modifications).